The following is an entry in ClinVar:

ClinVar aggregate classification (germline): Uncertain significance (1 of 4 stars; one submission).

Conditions:
Hereditary cancer-predisposing syndrome. Also called: Hereditary Cancer Syndrome; Hereditary neoplastic syndrome; Neoplastic Syndromes, Hereditary; Tumor predisposition. Identifiers: Orphanet 140162, MedGen C0027672, MeSH D009386, MONDO:0015356.

Allele frequency attached by ClinVar (database versions not stated): TOPMed below 0.00001.

Submission:

Ambry Genetics
Classification: Uncertain significance for Hereditary cancer-predisposing syndrome. Last evaluated: 2022-07-29. Review status: criteria provided, single submitter. Criteria: Ambry Variant Classification Scheme 2023. Collection method: clinical testing. Allele origin: germline.
Comment: The p.M202T variant (also known as c.605T>C), located in coding exon 3 of the SMARCA4 gene, results from a T to C substitution at nucleotide position 605. The methionine at codon 202 is replaced by threonine, an amino acid with similar properties. This amino acid position is well conserved in available vertebrate species. In addition, the in silico prediction for this alteration is inconclusive. Missense and in-frame variants in SMARCA4 are known to cause neurodevelopmental disorders; however, such associations with rhabdoid tumor predisposition syndrome including small cell carcinoma of the ovary-hypercalcemic type (SCCOHT) are exceedingly rare (Kosho T et al. Am J Med Genet C Semin Med Genet. 2014 Sep;166C(3):262-75; Jelinic P et al. Nat Genet. 2014 May;46(5):424-6). Since supporting evidence is limited at this time, the clinical significance of this alteration remains unclear.

NM_003072.5(SMARCA4):c.605T>C (p.Met202Thr)

Gene: SMARCA4 (SWI/SNF related BAF chromatin remodeling complex subunit ATPase 4; plus strand). Cytogenetic location: 19p13.2.
Variant type: single nucleotide variant.
Coding change: c.605T>C on transcript NM_003072.5 (MANE Select); coding-DNA position 605, T replaced by C.
Protein change: p.Met202Thr; replaces methionine 202 with threonine.
Molecular consequence: missense variant. On other transcripts: non-coding transcript variant (1).
Genome position (GRCh38, 1-based): chr19:10,986,438, T>C. VCF-style: chr19-10986438-T-C. GRCh37 (hg19) VCF-style: chr19-11097114-T-C.
Other names: c.605T>C, p.Met202Thr (NM_001128844.3, NM_001128845.2, NM_001128846.2 and 6 more transcripts); short protein forms M202T.
Identifiers: ClinVar variation 1751329 (VCV001751329.2), dbSNP rs2086039245, ClinGen allele CA404056545.